The following is an entry in ClinVar:

NM_001354712.2(THRB):c.*107G>C

Gene: THRB (thyroid hormone receptor beta; minus strand). Cytogenetic location: 3p24.2.
Variant type: single nucleotide variant.
Coding change: c.*107G>C on transcript NM_001354712.2 (MANE Select); 107 bases downstream of the stop codon, G replaced by C.
Molecular consequence: 3 prime UTR variant.
Genome position (GRCh38, 1-based): chr3:24,122,777, C>G on the plus strand (G>C on the coding strand, the complement: THRB is on the minus strand). VCF-style: chr3-24122777-C-G. GRCh37 (hg19) VCF-style: chr3-24164268-C-G.
Other names: c.*107G>C (NM_000461.5, NM_001128176.3, NM_001128177.2 and 8 more transcripts).
Identifiers: ClinVar variation 344635 (VCV000344635.6), dbSNP rs72619908, ClinGen allele CA10615549.

ClinVar aggregate classification (germline): Benign. Review status: criteria provided, multiple submitters, no conflicts (2 of 4 stars). 2 submissions from 2 submitters: Benign (2). Last evaluated 2018-01-13.

Conditions:
Thyroid hormone resistance, generalized, autosomal dominant (GRTHD). Also called: HYPERTHYROXINEMIA, FAMILIAL EUTHYROID, SECONDARY TO PITUITARY AND PERIPHERAL RESISTANCE TO THYROID HORMONES. Identifiers: MedGen C2937288, MONDO:0008569, OMIM 188570.

Allele frequency attached by ClinVar (database versions not stated): gnomAD 0.00170 and 0.00380; TOPMed 0.00307; gnomAD exomes 0.00425; 1000 Genomes Project 30x 0.02014; 1000 Genomes Project 0.02117.
gnomAD v4.1: 6,485 of 1,535,910 alleles (0.42%); highest among the groups gnomAD compares: South Asian, 4.3%; 160 homozygotes.

Submissions (2):

Illumina Laboratory Services, Illumina
Classification: Benign for Thyroid hormone resistance, generalized, autosomal dominant. Last evaluated: 2018-01-13. Review status: criteria provided, single submitter. Criteria: ICSL Variant Classification Criteria 13 December 2019. Collection method: clinical testing. Allele origin: germline.
Comment: This variant was observed in the ICSL laboratory as part of a predisposition screen in an ostensibly healthy population. It had not been previously curated by ICSL or reported in the Human Gene Mutation Database (HGMD: prior to June 1st, 2018), and was therefore a candidate for classification through an automated scoring system. Utilizing variant allele frequency, disease prevalence and penetrance estimates, and inheritance mode, an automated score was calculated to assess if this variant is too frequent to cause the disease. Based on the score and internal cut-off values, a variant classified as benign is not then subjected to further curation. The score for this variant resulted in a classification of benign for this disease.

Breakthrough Genomics
Classification: Benign. Review status: criteria provided, single submitter. Criteria: ACMG Guidelines, 2015. Collection method: not provided. Allele origin: germline. Inheritance: Autosomal recessive inheritance. Affected: yes.